The following is an entry in ClinVar:

ClinVar aggregate classification (germline): Uncertain significance (1 of 4 stars; one submission).

Conditions:
Developmental and epileptic encephalopathy, 54. Also called: Epileptic encephalopathy, early infantile, 54; HNRNPU-Related Neurodevelopmental Disorder. Identifiers: MedGen C4479319, MONDO:0033363, OMIM 617391.

Allele frequency attached by ClinVar (database versions not stated): ExAC 0.00001; gnomAD exomes 0.00001.
gnomAD v4.1: 8 of 1,570,704 alleles (0.00051%); highest among the groups gnomAD compares: South Asian, 0.0067%; no homozygotes.

Submission:

Labcorp Genetics (formerly Invitae), Labcorp
Classification: Uncertain significance for Developmental and epileptic encephalopathy, 54. Last evaluated: 2024-03-03. Review status: criteria provided, single submitter. Criteria: Invitae Variant Classification Sherloc (09022015). Collection method: clinical testing. Allele origin: germline.
Comment: This sequence change replaces threonine, which is neutral and polar, with alanine, which is neutral and non-polar, at codon 367 of the HNRNPU protein (p.Thr367Ala). This variant is present in population databases (rs755356064, gnomAD 0.007%). This variant has not been reported in the literature in individuals affected with HNRNPU-related conditions. ClinVar contains an entry for this variant (Variation ID: 1938846). Advanced modeling of protein sequence and biophysical properties (such as structural, functional, and spatial information, amino acid conservation, physicochemical variation, residue mobility, and thermodynamic stability) performed at Invitae indicates that this missense variant is not expected to disrupt HNRNPU protein function with a negative predictive value of 80%. In summary, the available evidence is currently insufficient to determine the role of this variant in disease. Therefore, it has been classified as a Variant of Uncertain Significance.

NM_031844.3(HNRNPU):c.1099A>G (p.Thr367Ala)

Gene: HNRNPU (heterogeneous nuclear ribonucleoprotein U; minus strand). Cytogenetic location: 1q44.
Variant type: single nucleotide variant.
Coding change: c.1099A>G on transcript NM_031844.3 (MANE Select); coding-DNA position 1099, A replaced by G.
Protein change: p.Thr367Ala; replaces threonine 367 with alanine.
Molecular consequence: missense variant.
Genome position (GRCh38, 1-based): chr1:244,859,293, T>C on the plus strand (A>G on the coding strand, the complement: HNRNPU is on the minus strand). VCF-style: chr1-244859293-T-C. GRCh37 (hg19) VCF-style: chr1-245022595-T-C.
Other names: c.1042A>G, p.Thr348Ala (NM_004501.3); short protein forms T367A, T348A.
Identifiers: ClinVar variation 1938846 (VCV001938846.5), dbSNP rs755356064, ClinGen allele CA1486574.